The following is an entry in ClinVar:

ClinVar aggregate classification (germline): Uncertain significance (1 of 4 stars; one submission).

Conditions:
DNAJC7-related condition.

gnomAD v4.1: 6 of 1,613,640 alleles (0.00037%); highest among the groups gnomAD compares: Non-Finnish European, 0.00051%; no homozygotes.

Submission:

PreventionGenetics, part of Exact Sciences
Classification: Uncertain significance for DNAJC7-related condition. Last evaluated: 2026-01-13. Review status: criteria provided, single submitter. Criteria: ACMG Guidelines, 2015. Collection method: clinical testing. Allele origin: germline.
Comment: The DNAJC7 c.187A>G variant is predicted to result in the amino acid substitution p.Ser63Gly. To our knowledge, this variant has not been reported in the literature. This variant is reported in 0.00089% of alleles in individuals of European (Non-Finnish) descent in gnomAD. At this time, the clinical significance of this variant is uncertain due to the absence of conclusive functional and genetic evidence.

NM_003315.4(DNAJC7):c.187A>G (p.Ser63Gly)

Gene: DNAJC7 (DnaJ heat shock protein family (Hsp40) member C7; minus strand). Cytogenetic location: 17q21.2.
Variant type: single nucleotide variant.
Coding change: c.187A>G on transcript NM_003315.4 (MANE Select); coding-DNA position 187, A replaced by G.
Protein change: p.Ser63Gly; replaces serine 63 with glycine.
Molecular consequence: missense variant. On other transcripts: non-coding transcript variant (1).
Genome position (GRCh38, 1-based): chr17:41,997,219, T>C on the plus strand (A>G on the coding strand, the complement: DNAJC7 is on the minus strand). VCF-style: chr17-41997219-T-C. GRCh37 (hg19) VCF-style: chr17-40149237-T-C.
Other names: c.19A>G, p.Ser7Gly (NM_001144766.3); short protein forms S63G, S7G.
Identifiers: ClinVar variation 4985536 (VCV004985536.1).
Genomic context (GRCh38, chr17:41,997,219, plus strand): 5'-CAAGAGCTTCCCGGAACCTTCCAAGCATCATCAAGGTGGCTGCTCGATTACCATAATAGC[T>C]AGCATTTTTAGGACACATATCTATAGGAAAGGCAGAAGAACGTAAAACAAAGTTTAGAAC-3'
Protein context (NP_003306.3, residues 53-73): KAIDMCPKNA[Ser63Gly]YYGNRAATLM